The following is an entry in ClinVar:

NM_000257.4(MYH7):c.5361A>C (p.Glu1787Asp)

Gene: MYH7 (myosin heavy chain 7; minus strand). Cytogenetic location: 14q11.2.
Variant type: single nucleotide variant.
Coding change: c.5361A>C on transcript NM_000257.4 (MANE Select); coding-DNA position 5361, A replaced by C.
Protein change: p.Glu1787Asp; replaces glutamic acid 1787 with aspartic acid.
Molecular consequence: missense variant.
Genome position (GRCh38, 1-based): chr14:23,415,193, T>G on the plus strand (A>C on the coding strand, the complement: MYH7 is on the minus strand). VCF-style: chr14-23415193-T-G. GRCh37 (hg19) VCF-style: chr14-23884402-T-G.
Other names: c.5361A>C, p.Glu1787Asp (NM_001407004.1); short protein forms E1787D.
Identifiers: ClinVar variation 1709717 (VCV001709717.3), dbSNP rs201171029, ClinGen allele CA389035728.

ClinVar aggregate classification (germline): Uncertain significance (1 of 4 stars; one submission).

Conditions:
Myosin storage myopathy (CMYO7A). Also called: Scapuloperoneal myopathy, MYH7-related; MYOPATHY WITH LYSIS OF TYPE I MYOFIBRILS; SCAPULOPERONEAL MUSCULAR DYSTROPHY; SCAPULOPERONEAL SYNDROME, MYOPATHIC TYPE; MYH7-related late-onset scapuloperoneal muscular dystrophy; Congenital myopathy 7A, myosin storage, autosomal dominant. Identifiers: Orphanet 437572, Orphanet 636965, MedGen C1842160, MONDO:0008409, OMIM 608358.

Submission:

MGZ Medical Genetics Center
Classification: Uncertain significance for Myosin storage myopathy. Last evaluated: 2022-08-05. Review status: criteria provided, single submitter. Criteria: ACMG Guidelines, 2015. Collection method: clinical testing. Allele origin: germline. Affected: yes. Observed: 1 variant allele.
Comment: ACMG criteria applied: PM1, PM2_SUP, PM5_SUP, PP3